The following is an entry in ClinVar:

NM_002875.5(RAD51):c.121T>A (p.Leu41Met)

Gene: RAD51 (RAD51 recombinase; plus strand). Cytogenetic location: 15q15.1.
Variant type: single nucleotide variant.
Coding change: c.121T>A on transcript NM_002875.5 (MANE Select); coding-DNA position 121, T replaced by A.
Protein change: p.Leu41Met; replaces leucine 41 with methionine.
Molecular consequence: missense variant.
Genome position (GRCh38, 1-based): chr15:40,701,097, T>A. VCF-style: chr15-40701097-T-A. GRCh37 (hg19) VCF-style: chr15-40993295-T-A.
Other names: c.121T>A, p.Leu41Met (NM_001164269.2, NM_001164270.2, NM_133487.4); short protein forms L41M.
Identifiers: ClinVar variation 3222839 (VCV003222839.1), dbSNP rs749742647, ClinGen allele CA391745561.

ClinVar aggregate classification (germline): Uncertain significance (1 of 4 stars; one submission).

Conditions:
Inborn genetic diseases. Identifiers: MedGen C0950123, MeSH D030342.

Submission:

Ambry Genetics
Classification: Uncertain significance for Inborn genetic diseases. Last evaluated: 2024-02-02. Review status: criteria provided, single submitter. Criteria: Ambry Variant Classification Scheme 2023. Collection method: clinical testing. Allele origin: germline.
Comment: The p.L41M variant (also known as c.121T>A), located in coding exon 2 of the RAD51 gene, results from a T to A substitution at nucleotide position 121. The leucine at codon 41 is replaced by methionine, an amino acid with highly similar properties. This amino acid position is conserved. In addition, the in silico prediction for this alteration is inconclusive. Based on the available evidence, the clinical significance of this alteration remains unclear.